The following is an entry in ClinVar:

NM_003014.4(SFRP4):c.764T>G (p.Leu255Arg)

Gene: SFRP4 (secreted frizzled related protein 4; minus strand). Cytogenetic location: 7p14.1.
Variant type: single nucleotide variant.
Coding change: c.764T>G on transcript NM_003014.4 (MANE Select); coding-DNA position 764, T replaced by G.
Protein change: p.Leu255Arg; replaces leucine 255 with arginine.
Molecular consequence: missense variant.
Genome position (GRCh38, 1-based): chr7:37,912,146, A>C on the plus strand (T>G on the coding strand, the complement: SFRP4 is on the minus strand). VCF-style: chr7-37912146-A-C. GRCh37 (hg19) VCF-style: chr7-37951748-A-C.
Other names: short protein forms L255R.
Identifiers: ClinVar variation 3660203 (VCV003660203.2).

ClinVar aggregate classification (germline): Uncertain significance (1 of 4 stars; one submission).

Submission:

Labcorp Genetics (formerly Invitae), Labcorp
Classification: Uncertain significance. Last evaluated: 2024-07-22. Review status: criteria provided, single submitter. Criteria: Invitae Variant Classification Sherloc (09022015). Collection method: clinical testing. Allele origin: germline.
Comment: This sequence change replaces leucine, which is neutral and non-polar, with arginine, which is basic and polar, at codon 255 of the SFRP4 protein (p.Leu255Arg). This variant is not present in population databases (gnomAD no frequency). This variant has not been reported in the literature in individuals affected with SFRP4-related conditions. An algorithm developed to predict the effect of missense changes on protein structure and function (PolyPhen-2) suggests that this variant is likely to be disruptive. In summary, the available evidence is currently insufficient to determine the role of this variant in disease. Therefore, it has been classified as a Variant of Uncertain Significance.